The following is an entry in ClinVar:

NM_005045.4(RELN):c.932A>G (p.His311Arg)

Gene: RELN (reelin; minus strand). Cytogenetic location: 7q22.1.
Variant type: single nucleotide variant.
Coding change: c.932A>G on transcript NM_005045.4 (MANE Select); coding-DNA position 932, A replaced by G.
Protein change: p.His311Arg; replaces histidine 311 with arginine.
Molecular consequence: missense variant.
Genome position (GRCh38, 1-based): chr7:103,698,064, T>C on the plus strand (A>G on the coding strand, the complement: RELN is on the minus strand). VCF-style: chr7-103698064-T-C. GRCh37 (hg19) VCF-style: chr7-103338511-T-C.
Other names: c.932A>G, p.His311Arg (NM_173054.3); short protein forms H311R.
Identifiers: ClinVar variation 1390606 (VCV001390606.8), dbSNP rs766323203, ClinGen allele CA4422396.

ClinVar aggregate classification (germline): Uncertain significance (1 of 4 stars; one submission).

Conditions:
Norman-Roberts syndrome (LIS2). Also called: Lissencephaly 2 (Norman-Roberts type). Identifiers: Orphanet 89844, MedGen C0796089, MONDO:0009760, OMIM 257320.
Familial temporal lobe epilepsy 7. Identifiers: Orphanet 101046, MedGen C4225327, MONDO:0014639, OMIM 616436.

Allele frequency attached by ClinVar (database versions not stated): ExAC 0.00001.

Submission:

Labcorp Genetics (formerly Invitae), Labcorp
Classification: Uncertain significance for Familial temporal lobe epilepsy 7; Norman-Roberts syndrome. Last evaluated: 2021-04-24. Review status: criteria provided, single submitter. Criteria: Invitae Variant Classification Sherloc (09022015). Collection method: clinical testing. Allele origin: germline.
Comment: In summary, the available evidence is currently insufficient to determine the role of this variant in disease. Therefore, it has been classified as a Variant of Uncertain Significance. This sequence change replaces histidine with arginine at codon 311 of the RELN protein (p.His311Arg). The histidine residue is highly conserved and there is a small physicochemical difference between histidine and arginine. This variant is present in population databases (rs766323203, ExAC 0.01%). This variant has not been reported in the literature in individuals with RELN-related conditions. Algorithms developed to predict the effect of missense changes on protein structure and function are either unavailable or do not agree on the potential impact of this missense change (SIFT: "Deleterious"; PolyPhen-2: "Benign"; Align-GVGD: "Class C0").